The following is an entry in ClinVar:

ClinVar aggregate classification (germline): Uncertain significance. Review status: criteria provided, multiple submitters, no conflicts (2 of 4 stars). 2 submissions from 2 submitters: Uncertain significance (2). Last evaluated 2025-08-11.

Conditions:
Inborn genetic diseases. Identifiers: MedGen C0950123, MeSH D030342.

Allele frequency attached by ClinVar (database versions not stated): gnomAD 0.00003; ExAC 0.00004; TOPMed 0.00002; gnomAD exomes 0.00005.
gnomAD v4.1: 72 of 1,573,050 alleles (0.0046%); highest among the groups gnomAD compares: Non-Finnish European, 0.0059%; no homozygotes.

Submissions (2):

GeneDx
Classification: Uncertain significance. Last evaluated: 2025-08-11. Review status: criteria provided, single submitter. Criteria: GeneDx Variant Classification Process June 2021. Collection method: clinical testing. Allele origin: germline. Affected: yes.
Comment: Not observed at significant frequency in large population cohorts (gnomAD); In silico analysis supports that this missense variant has a deleterious effect on protein structure/function; Has not been previously published as pathogenic or benign to our knowledge

Ambry Genetics
Classification: Uncertain significance for Inborn genetic diseases. Last evaluated: 2023-02-15. Review status: criteria provided, single submitter. Criteria: Ambry Variant Classification Scheme 2023. Collection method: clinical testing. Allele origin: germline.

NM_016366.3(CABP2):c.217C>T (p.Arg73Trp)

Gene: CABP2 (calcium binding protein 2; minus strand). Cytogenetic location: 11q13.2.
Variant type: single nucleotide variant.
Coding change: c.217C>T on transcript NM_016366.3 (MANE Select); coding-DNA position 217, C replaced by T.
Protein change: p.Arg73Trp; replaces arginine 73 with tryptophan.
Molecular consequence: missense variant.
Genome position (GRCh38, 1-based): chr11:67,521,979, G>A on the plus strand (C>T on the coding strand, the complement: CABP2 is on the minus strand). VCF-style: chr11-67521979-G-A. GRCh37 (hg19) VCF-style: chr11-67289450-G-A.
Other names: c.235C>T, p.Arg79Trp (NM_001318496.2); short protein forms R73W, R79W.
Identifiers: ClinVar variation 2484521 (VCV002484521.3), dbSNP rs779763116, ClinGen allele CA6142548.